The following is an entry in ClinVar:

ClinVar aggregate classification (germline): Uncertain significance (1 of 4 stars; one submission).

gnomAD v4.1: 2 of 1,612,968 alleles (0.00012%); highest among the groups gnomAD compares: Non-Finnish European, 0.00017%; no homozygotes.

Submission:

GeneDx
Classification: Uncertain significance. Last evaluated: 2024-09-13. Review status: criteria provided, single submitter. Criteria: GeneDx Variant Classification Process June 2021. Collection method: clinical testing. Allele origin: germline. Affected: yes.
Comment: Not observed at significant frequency in large population cohorts (gnomAD); In silico analysis supports a deleterious effect on splicing; Has not been previously published as pathogenic or benign to our knowledge

NM_014991.6(WDFY3):c.5424+3A>G

Gene: WDFY3 (WD repeat and FYVE domain containing 3; minus strand). Cytogenetic location: 4q21.23.
Variant type: single nucleotide variant.
Coding change: c.5424+3A>G on transcript NM_014991.6 (MANE Select); 3 bases into the intron after coding-DNA position 5424, A replaced by G.
Molecular consequence: intron variant.
Genome position (GRCh38, 1-based): chr4:84,756,923, T>C on the plus strand (A>G on the coding strand, the complement: WDFY3 is on the minus strand). VCF-style: chr4-84756923-T-C. GRCh37 (hg19) VCF-style: chr4-85678076-T-C.
Identifiers: ClinVar variation 3770116 (VCV003770116.1).